The following is an entry in ClinVar:

ClinVar aggregate classification (germline): Likely pathogenic (1 of 4 stars; one submission).

Conditions:
Primary ciliary dyskinesia 3. Identifiers: Orphanet 244, MedGen C1837618, MONDO:0012085, OMIM 608644.

Submission:

Myriad Genetics, Inc.
Classification: Likely pathogenic for Primary ciliary dyskinesia 3. Last evaluated: 2022-05-18. Review status: criteria provided, single submitter. Criteria: Myriad Women's Health Autosomal Recessive and X-Linked Classification Criteria (2021). Collection method: clinical testing. Allele origin: unknown.
Comment: NM_001369.2(DNAH5):c.7359dupT(V2454Cfs*7) is expected to be pathogenic in the context of DNAH5-related primary ciliary dyskinesia. This variant is predicted to lead to an abnormal or absent protein product due to the creation of a premature termination codon in DNAH5, a gene where loss-of-function variants are known to be pathogenic. Please note: this variant was assessed in the context of healthy population screening.

NM_001369.3(DNAH5):c.7359dup (p.Val2454fs)

Gene: DNAH5 (dynein axonemal heavy chain 5; minus strand). Cytogenetic location: 5p15.2.
Variant type: Duplication.
Coding change: c.7359dup on transcript NM_001369.3 (MANE Select); coding-DNA position 7359, one base duplicated (T; older notation c.7359dupT).
Protein change: p.Val2454fs; shifts the reading frame from valine 2454.
Molecular consequence: frameshift variant.
Genome position (GRCh38, 1-based): chr5:13,811,695, A duplicated on the plus strand (T on the coding strand, the reverse complement: DNAH5 is on the minus strand); the first of 3 consecutive A bases (chr5:13,811,695-13,811,697); duplicating any one gives the same sequence. VCF-style (leftmost placement, unchanged base first): chr5-13811694-C-CA. GRCh37 (hg19) VCF-style: chr5-13811803-C-CA.
Other names: short protein forms V2454fs.
Identifiers: ClinVar variation 1726152 (VCV001726152.2), dbSNP rs2546814225, ClinGen allele CA2580072034.